The following is an entry in ClinVar:

ClinVar aggregate classification (germline): Uncertain significance (1 of 4 stars; one submission).

gnomAD v4.1: 1 of 1,613,854 alleles (0.000062%); highest among the groups gnomAD compares: Non-Finnish European, 0.000085%; no homozygotes.

Submission:

Ambry Genetics
Classification: Uncertain significance. Last evaluated: 2024-08-02. Review status: criteria provided, single submitter. Criteria: Ambry Variant Classification Scheme 2023. Collection method: clinical testing. Allele origin: germline.
Comment: The c.1133T>C (p.I378T) alteration is located in exon 9 (coding exon 7) of the PALS1 gene. This alteration results from a T to C substitution at nucleotide position 1133, causing the isoleucine (I) at amino acid position 378 to be replaced by a threonine (T). This variant was not reported in population-based cohorts in the Genome Aggregation Database (gnomAD). This amino acid position is highly conserved in available vertebrate species. The in silico prediction for this alteration is inconclusive. Based on insufficient or conflicting evidence, the clinical significance of this alteration remains unclear.

NM_022474.4(PALS1):c.1133T>C (p.Ile378Thr)

Genes: GPHN (gephyrin; plus strand), PALS1 (protein associated with LIN7 1, MAGUK p55 family member; plus strand). Cytogenetic location: 14q23.3.
Variant type: single nucleotide variant.
Coding change: c.1133T>C on transcript NM_022474.4 (MANE Select); coding-DNA position 1133, T replaced by C.
Protein change: p.Ile378Thr; replaces isoleucine 378 with threonine.
Molecular consequence: missense variant.
Genome position (GRCh38, 1-based): chr14:67,312,618, T>C. VCF-style: chr14-67312618-T-C. GRCh37 (hg19) VCF-style: chr14-67779335-T-C.
Other names: c.1031T>C, p.Ile344Thr (NM_001256550.2); short protein forms I344T, I378T.
Identifiers: ClinVar variation 3304155 (VCV003304155.2).